The following is an entry in ClinVar:

ClinVar aggregate classification (germline): Benign/Likely benign. Review status: criteria provided, multiple submitters, no conflicts (2 of 4 stars). 2 submissions from 2 submitters: Benign (1); Likely benign (1). Last evaluated 2024-03-08.

Conditions:
Methylmalonic acidemia with homocystinuria, type cblX (MAHCX). Also called: INTELLECTUAL DEVELOPMENTAL DISORDER, X-LINKED 3. Identifiers: Orphanet 369962, MedGen C0796208, MONDO:0010657, OMIM 309541.

Allele frequency attached by ClinVar (database versions not stated): gnomAD 0.00005; TOPMed 0.00005; gnomAD exomes 0.00006; ExAC 0.00008; ESP Exome Variant Server 0.00049.
gnomAD v4.1: 40 of 1,181,761 alleles (0.0034%); highest among the groups gnomAD compares: Non-Finnish European, 0.0046%; no homozygotes.

Submissions (2):

Labcorp Genetics (formerly Invitae), Labcorp
Classification: Benign for Methylmalonic acidemia with homocystinuria, type cblX. Last evaluated: 2024-03-08. Review status: criteria provided, single submitter. Criteria: Invitae Variant Classification Sherloc (09022015). Collection method: clinical testing. Allele origin: germline.

GeneDx
Classification: Likely benign. Last evaluated: 2018-04-26. Review status: criteria provided, single submitter. Criteria: GeneDx Variant Classification (06012015). Collection method: clinical testing. Allele origin: germline. Affected: yes.
Comment: This variant is considered likely benign or benign based on one or more of the following criteria: it is a conservative change, it occurs at a poorly conserved position in the protein, it is predicted to be benign by multiple in silico algorithms, and/or has population frequency not consistent with disease.

NM_005334.3(HCFC1):c.1407C>T (p.Gly469=)

Gene: HCFC1 (host cell factor C1; minus strand). Cytogenetic location: Xq28.
Variant type: single nucleotide variant.
Coding change: c.1407C>T on transcript NM_005334.3 (MANE Select); coding-DNA position 1407, C replaced by T.
Protein change: p.Gly469=; no amino-acid change (glycine 469 retained).
Molecular consequence: synonymous variant.
Genome position (GRCh38, 1-based): chrX:153,959,839, G>A on the plus strand (C>T on the coding strand, the complement: HCFC1 is on the minus strand). VCF-style: chrX-153959839-G-A. GRCh37 (hg19) VCF-style: chrX-153225290-G-A.
Identifiers: ClinVar variation 681932 (VCV000681932.4), dbSNP rs200268397, ClinGen allele CA10557517.
Genomic context (GRCh38, chrX:153,959,839, plus strand): 5'-ACGTCCCTGGTCCCCTGGCTCACCTTGAGTCCTGGCTGCGGTGGGCACAGAAATGGAGCT[G>A]CCAGGCACCGTTGGCAAGACCTGGATGGTGGTGGTGGTCGGGGGTGCGGGGGCAGCCTGG-3'
Protein context (NP_005325.2, residues 459-479): TTIQVLPTVP[Gly469=]SSISVPTAAR